The following is an entry in ClinVar:

ClinVar aggregate classification (germline): Pathogenic (1 of 4 stars; one submission).

Conditions:
Hereditary cancer-predisposing syndrome. Also called: Hereditary Cancer Syndrome; Neoplastic Syndromes, Hereditary; Hereditary neoplastic syndrome; Tumor predisposition. Identifiers: Orphanet 140162, MedGen C0027672, MeSH D009386, MONDO:0015356.

Submission:

Ambry Genetics
Classification: Pathogenic for Hereditary cancer-predisposing syndrome. Last evaluated: 2014-03-05. Review status: criteria provided, single submitter. Criteria: Ambry Autosomal Dominant and X-Linked criteria (10/2015). Collection method: clinical testing. Allele origin: germline. Observed: 1 variant allele.
Comment: Ã¢â‚¬â€¹The c.539delC pathogenic mutation, located in coding exon 5 of the RB1 gene, results from a deletion of one nucleotide at position 539, causing a translational frameshift with a predicted alternate stop codon. Since frameshifts are typically deleterious in nature, this alteration is interpreted as a disease-causing mutation (ACMG Recommendations for Standards for Interpretation and Reporting of Sequence Variations. Revision 2007. Genet Med. 2008;10:294).

NM_000321.3(RB1):c.539del (p.Ser179_Ser180insTer)

Gene: RB1 (RB transcriptional corepressor 1; plus strand). Cytogenetic location: 13q14.2.
Variant type: Deletion.
Coding change: c.539del on transcript NM_000321.3 (MANE Select); coding-DNA position 539, one base deleted (C; older notation c.539delC).
Protein change: p.Ser179_Ser180insTer.
Molecular consequence: nonsense.
Genome position (GRCh38, 1-based): chr13:48,347,863, C deleted. VCF-style (leftmost placement, unchanged base first): chr13-48347862-TC-T. GRCh37 (hg19) VCF-style: chr13-48921998-TC-T.
Other names: c.539delC (NM_000321.2).
Identifiers: ClinVar variation 428690 (VCV000428690.3), dbSNP rs1131690871, ClinGen allele CA645369530.